The following is an entry in ClinVar:

NM_000305.3(PON2):c.885G>A (p.Pro295=)

Genes: ASB4 (ankyrin repeat and SOCS box containing 4; plus strand), PON2 (paraoxonase 2; minus strand), LOC107986822 (uncharacterized LOC107986822; plus strand). Cytogenetic location: 7q21.3.
Variant type: single nucleotide variant.
Coding change: c.885G>A on transcript NM_000305.3 (MANE Select); coding-DNA position 885, G replaced by A.
Protein change: p.Pro295=; no amino-acid change (proline 295 retained).
Molecular consequence: synonymous variant.
Genome position (GRCh38, 1-based): chr7:95,406,140, C>T on the plus strand (G>A on the coding strand, the complement: PON2 is on the minus strand). VCF-style: chr7-95406140-C-T. GRCh37 (hg19) VCF-style: chr7-95035452-C-T.
Other names: c.849G>A, p.Pro283= (NM_001018161.2).
Identifiers: ClinVar variation 495801 (VCV000495801.1), dbSNP rs778196758, ClinGen allele CA4350937.

ClinVar aggregate classification (germline): Likely benign (1 of 4 stars; one submission).

Allele frequency attached by ClinVar (database versions not stated): ExAC 0.00003; gnomAD exomes 0.00003; gnomAD 0.00006; TOPMed 0.00006.
gnomAD v4.1: 42 of 1,613,628 alleles (0.0026%); highest among the groups gnomAD compares: Middle Eastern, 0.016%; no homozygotes.

Submission:

Women's Health and Genetics/Laboratory Corporation of America, LabCorp
Classification: Likely benign. Last evaluated: 2017-03-13. Review status: criteria provided, single submitter. Criteria: LabCorp Variant Classification Summary - May 2015. Collection method: clinical testing. Allele origin: germline.
Comment: Variant summary: The PON2 c.885G>A (p.Pro295Pro) variant involves the alteration of a non-conserved nucleotide, resulting in a synonymous change. One in silico tool predicts a damaging outcome for this variant. 5/5 splice prediction tools predict no significant impact on normal splicing. However, these predictions have yet to be confirmed by functional studies. This variant was found in 4/120854 control chromosomes at a frequency of 0.0000331, which is approximately 2 times the estimated maximal expected allele frequency of a pathogenic PON2 variant (0.00002), suggesting this variant is likely a benign polymorphism. However, the small number of carriers in ExAC does not allow for unequivocally classification as Benign. The variant of interest has not, to our knowledge, been reported in affected individuals via publications and/or reputable databases/clinical diagnostic laboratories; nor evaluated for functional impact by in vivo/vitro studies. Taken together, this variant is classified as likely benign.